The following is an entry in ClinVar:

ClinVar aggregate classification (germline): Pathogenic (1 of 4 stars; one submission).

Allele frequency attached by ClinVar (database versions not stated): ExAC 0.00002.
gnomAD v4.1: 34 of 1,604,990 alleles (0.0021%); highest among the groups gnomAD compares: Non-Finnish European, 0.0029%; no homozygotes.

Submission:

Labcorp Genetics (formerly Invitae), Labcorp
Classification: Pathogenic. Last evaluated: 2024-06-29. Review status: criteria provided, single submitter. Criteria: Invitae Variant Classification Sherloc (09022015). Collection method: clinical testing. Allele origin: germline.
Comment: This sequence change creates a premature translational stop signal (p.Arg117*) in the VPS13C gene. It is expected to result in an absent or disrupted protein product. Loss-of-function variants in VPS13C are known to be pathogenic (PMID: 26942284, 34875562). This variant is present in population databases (rs778239562, gnomAD 0.003%). This premature translational stop signal has been observed in individual(s) with clinical features of Parkinson disease (Invitae). ClinVar contains an entry for this variant (Variation ID: 1941006). For these reasons, this variant has been classified as Pathogenic.

Literature cited by the submitters: PubMed 26942284; PubMed 34875562.

NM_020821.3(VPS13C):c.349C>T (p.Arg117Ter)

Gene: VPS13C (vacuolar protein sorting 13 homolog C; minus strand). Cytogenetic location: 15q22.2.
Variant type: single nucleotide variant.
Coding change: c.349C>T on transcript NM_020821.3 (MANE Select); coding-DNA position 349, C replaced by T.
Protein change: p.Arg117Ter; replaces arginine 117 with a stop codon.
Molecular consequence: nonsense.
Genome position (GRCh38, 1-based): chr15:62,033,477, G>A on the plus strand (C>T on the coding strand, the complement: VPS13C is on the minus strand). VCF-style: chr15-62033477-G-A. GRCh37 (hg19) VCF-style: chr15-62325676-G-A.
Other names: c.349C>T, p.Arg117Ter (NM_001018088.3, NM_017684.5, NM_018080.4); short protein forms R117*.
Identifiers: ClinVar variation 1941006 (VCV001941006.5), dbSNP rs778239562, ClinGen allele CA7597583.